The following is an entry in ClinVar:

NM_001134673.4(NFIA):c.-30C>A

Gene: NFIA (nuclear factor I A; plus strand). Cytogenetic location: 1p31.3.
Variant type: single nucleotide variant.
Coding change: c.-30C>A on transcript NM_001134673.4 (MANE Select); 30 bases upstream of the start codon, C replaced by A.
Molecular consequence: 5 prime UTR variant. On other transcripts: missense variant (1), intron variant (1).
Genome position (GRCh38, 1-based): chr1:61,082,762, C>A. VCF-style: chr1-61082762-C-A. GRCh37 (hg19) VCF-style: chr1-61548434-C-A.
Other names: c.106C>A, p.Arg36Ser (NM_001145512.2); c.-30C>A (NM_005595.5); c.3+5134C>A (NM_001145511.2); short protein forms R36S.
Identifiers: ClinVar variation 2505862 (VCV002505862.1), dbSNP rs937674643, ClinGen allele CA23493031.
Genomic context (GRCh38, chr1:61,082,762, plus strand): 5'-CTCTCCCTCTTTCTCCTCTCTCACCCACACTCACGCACACCTCCAAACCGCACACCCAGA[C>A]GCACACGCATACCCCAGCGCCCGGCAGTTATGTATTCTCCGCTCTGTCTCACCCAGGTAA-3'

ClinVar aggregate classification (germline): Uncertain significance (1 of 4 stars; one submission).

Allele frequency attached by ClinVar (database versions not stated): TOPMed 0.00001.

Submission:

GeneDx
Classification: Uncertain significance. Last evaluated: 2022-12-15. Review status: criteria provided, single submitter. Criteria: GeneDx Variant Classification Process June 2021. Collection method: clinical testing. Allele origin: germline. Affected: yes.
Comment: Not observed at significant frequency in large population cohorts (gnomAD); Has not been previously published as pathogenic or benign to our knowledge; In silico analysis is inconclusive as to whether the variant alters gene splicing. In the absence of RNA/functional studies, the actual effect of this sequence change is unknown.; Reported using an alternate transcript of the gene